The following is an entry in ClinVar:

NM_017775.4(TTC19):c.353T>A (p.Ile118Asn)

Gene: TTC19 (tetratricopeptide repeat domain 19; plus strand). Cytogenetic location: 17p12.
Variant type: single nucleotide variant.
Coding change: c.353T>A on transcript NM_017775.4 (MANE Select); coding-DNA position 353, T replaced by A.
Protein change: p.Ile118Asn; replaces isoleucine 118 with asparagine.
Molecular consequence: missense variant.
Genome position (GRCh38, 1-based): chr17:16,001,955, T>A. VCF-style: chr17-16001955-T-A. GRCh37 (hg19) VCF-style: chr17-15905269-T-A.
Other names: c.32T>A, p.Ile11Asn (NM_001271420.2); c.353T>A (NM_017775.3); short protein forms I118N, I11N.
Identifiers: ClinVar variation 1487412 (VCV001487412.10), dbSNP rs781360490, ClinGen allele CA8407319.

ClinVar aggregate classification (germline): Uncertain significance. Review status: criteria provided, multiple submitters, no conflicts (2 of 4 stars). 2 submissions from 2 submitters: Uncertain significance (2). Last evaluated 2025-12-09.

Allele frequency attached by ClinVar (database versions not stated): gnomAD exomes 0.00001 and 0.00002; ExAC 0.00004; TOPMed below 0.00001.
gnomAD v4.1: 21 of 1,613,466 alleles (0.0013%); highest among the groups gnomAD compares: Non-Finnish European, 0.0015%; no homozygotes.

Submissions (2):

GeneDx
Classification: Uncertain significance. Last evaluated: 2025-12-09. Review status: criteria provided, single submitter. Criteria: GeneDx Variant Classification Process June 2021. Collection method: clinical testing. Allele origin: germline.
Comment: Not observed at significant frequency in large population cohorts (gnomAD); In silico analysis supports that this missense variant has a deleterious effect on protein structure/function; Has not been previously published as pathogenic or benign to our knowledge

Labcorp Genetics (formerly Invitae), Labcorp
Classification: Uncertain significance. Last evaluated: 2022-08-09. Review status: criteria provided, single submitter. Criteria: Invitae Variant Classification Sherloc (09022015). Collection method: clinical testing. Allele origin: germline.
Comment: This variant is present in population databases (rs781360490, gnomAD 0.005%). This variant has not been reported in the literature in individuals affected with TTC19-related conditions. ClinVar contains an entry for this variant (Variation ID: 1487412). Algorithms developed to predict the effect of missense changes on protein structure and function (SIFT, PolyPhen-2, Align-GVGD) all suggest that this variant is likely to be disruptive. In summary, the available evidence is currently insufficient to determine the role of this variant in disease. Therefore, it has been classified as a Variant of Uncertain Significance. This sequence change replaces isoleucine, which is neutral and non-polar, with asparagine, which is neutral and polar, at codon 118 of the TTC19 protein (p.Ile118Asn).